The following is an entry in ClinVar:

ClinVar aggregate classification (germline): Uncertain significance (0 of 4 stars; one submission).

Conditions:
KLHL40-related disorder. Also called: KLHL40-related condition.

Submission:

PreventionGenetics, part of Exact Sciences
Classification: Uncertain significance for KLHL40-related condition. Last evaluated: 2024-02-08. Review status: no assertion criteria provided. Collection method: clinical testing. Allele origin: germline.
Comment: The KLHL40 c.1768dupG variant is predicted to result in a frameshift and premature protein termination (p.Glu590Glyfs*31). To our knowledge, this variant has not been reported in the literature or in a large population database, indicating this variant is rare. This variant occurs in the last exon and no premature termination variants have been reported in association with disease downstream of this position. Although we suspect that this variant may be pathogenic, at this time, the clinical significance of this variant is uncertain due to the absence of conclusive functional and genetic evidence.

NM_152393.4(KLHL40):c.1768dup (p.Glu590fs)

Gene: KLHL40 (kelch like family member 40; plus strand). Cytogenetic location: 3p22.1.
Variant type: Duplication.
Coding change: c.1768dup on transcript NM_152393.4 (MANE Select); coding-DNA position 1768, one base duplicated (G; older notation c.1768dupG).
Protein change: p.Glu590fs; shifts the reading frame from glutamic acid 590.
Molecular consequence: frameshift variant.
Genome position (GRCh38, 1-based): chr3:42,691,895, G duplicated; the last of 2 consecutive G bases (chr3:42,691,894-42,691,895); duplicating either gives the same sequence. VCF-style (leftmost placement, unchanged base first): chr3-42691893-A-AG. GRCh37 (hg19) VCF-style: chr3-42733385-A-AG.
Other names: short protein forms E590fs.
Identifiers: ClinVar variation 3030124 (VCV003030124.2), dbSNP rs869191698, ClinGen allele CA2740094363.
Genomic context (GRCh38, chr3:42,691,893, plus strand): 5'-TCAGCTGACCAAGCTCTCCATCCTTGTCCCCACTCTCTCTCATCCCCAGGTATAACGAGG[A>AG]GGAGAAGAAATGGGAGGGTGTCCTGCGGGAGATCGCCTATGCAGCAGGTGCCACCTTCCT-3'